The following is an entry in ClinVar:

NM_003742.4(ABCB11):c.770C>T (p.Ala257Val)

Gene: ABCB11 (ATP binding cassette subfamily B member 11; minus strand). Cytogenetic location: 2q31.1.
Variant type: single nucleotide variant.
Coding change: c.770C>T on transcript NM_003742.4 (MANE Select); coding-DNA position 770, C replaced by T.
Protein change: p.Ala257Val; replaces alanine 257 with valine.
Molecular consequence: missense variant.
Genome position (GRCh38, 1-based): chr2:168,993,724, G>A on the plus strand (C>T on the coding strand, the complement: ABCB11 is on the minus strand). VCF-style: chr2-168993724-G-A. GRCh37 (hg19) VCF-style: chr2-169850234-G-A.
Other names: c.770C>T, p.Ala257Val (LRG_1199t1); short protein forms A257V.
Identifiers: ClinVar variation 499839 (VCV000499839.6), dbSNP rs1553470037, ClinGen allele CA349127737.

ClinVar aggregate classification (germline): Uncertain significance. Review status: criteria provided, multiple submitters, no conflicts (2 of 4 stars). 2 submissions from 2 submitters: Uncertain significance (2). Last evaluated 2026-04-14.

Conditions:
Familial intrahepatic cholestasis. Identifiers: Orphanet 284385, MedGen CN296401, MONDO:0017290.

Allele frequency attached by ClinVar (database versions not stated): TOPMed below 0.00001.

Submissions (2):

Genomenon, Inc
Classification: Uncertain significance for Familial intrahepatic cholestasis. Last evaluated: 2026-04-14. Review status: criteria provided, single submitter. Criteria: Genomenon Sequence Variant Interpretation Standards - Updated. Collection method: curation. Allele origin: germline. Affected: yes.
Comment: ABCB11 p.Ala257Val (c.770C>T) is a missense variant that changes the amino acid at residue 257 from Alanine to Valine. This variant has been observed in at least one proband with an ABCB11-related disorder (PMID:20232290). It has been observed in trans with a pathogenic or likely pathogenic variant (PMID:20232290). Functional studies have been reported (PMID:36142670;34794484;25716872). It is absent or not present at a significant frequency in gnomAD. In conclusion, we classify ABCB11 p.Ala257Val (c.770C>T) as a variant of uncertain significance.

Eurofins Ntd Llc (ga)
Classification: Uncertain significance. Last evaluated: 2017-01-09. Review status: criteria provided, single submitter. Criteria: EGL Classification Definitions 2015. Collection method: clinical testing. Allele origin: germline. Observed: 1 variant allele, 1 heterozygote.

Literature cited by the submitters: PubMed 20232290 (cited by Genomenon, Inc); PubMed 36142670 (cited by Genomenon, Inc); PubMed 34794484 (cited by Genomenon, Inc); PubMed 25716872 (cited by Genomenon, Inc).